The following is an entry in ClinVar:

ClinVar aggregate classification (germline): Conflicting classifications of pathogenicity. Review status: criteria provided, conflicting classifications (1 of 4 stars). 3 submissions from 3 submitters: Uncertain significance (2); Likely benign (1). Last evaluated 2025-12-06.

Allele frequency attached by ClinVar (database versions not stated): TOPMed 0.00011; gnomAD 0.00014 and 0.00016; 1000 Genomes Project 30x 0.00016; 1000 Genomes Project 0.00020; ESP Exome Variant Server 0.00023; ExAC 0.00026.
gnomAD v4.1: 244 of 1,588,850 alleles (0.015%); highest among the groups gnomAD compares: Non-Finnish European, 0.017%; no homozygotes.

Submissions (3):

Labcorp Genetics (formerly Invitae), Labcorp
Classification: Uncertain significance. Last evaluated: 2025-12-06. Review status: criteria provided, single submitter. Criteria: Invitae Variant Classification Sherloc (09022015). Collection method: clinical testing. Allele origin: germline.
Comment: This sequence change replaces arginine, which is basic and polar, with glutamine, which is neutral and polar, at codon 550 of the MKL1 protein (p.Arg550Gln). This variant is present in population databases (rs377354099, gnomAD 0.02%). This variant has not been reported in the literature in individuals affected with MKL1-related conditions. ClinVar contains an entry for this variant (Variation ID: 1683012). An algorithm developed to predict the effect of missense changes on protein structure and function (PolyPhen-2) suggests that this variant is likely to be tolerated. In summary, the available evidence is currently insufficient to determine the role of this variant in disease. Therefore, it has been classified as a Variant of Uncertain Significance.

Blueprint Genetics
Classification: Likely benign. Last evaluated: 2024-11-06. Review status: criteria provided, single submitter. Criteria: ACMG Guidelines, 2015. Collection method: clinical testing. Allele origin: germline.

Breakthrough Genomics
Classification: Uncertain significance. Review status: criteria provided, single submitter. Criteria: ACMG Guidelines, 2015. Collection method: not provided. Allele origin: germline. Inheritance: Autosomal dominant inheritance. Affected: yes.

NM_020831.6(MRTFA):c.1949G>A (p.Arg650Gln)

Gene: MRTFA (myocardin related transcription factor A; minus strand). Cytogenetic location: 22q13.1.
Variant type: single nucleotide variant.
Coding change: c.1949G>A on transcript NM_020831.6 (MANE Select); coding-DNA position 1949, G replaced by A.
Protein change: p.Arg650Gln; replaces arginine 650 with glutamine.
Molecular consequence: missense variant.
Genome position (GRCh38, 1-based): chr22:40,418,789, C>T on the plus strand (G>A on the coding strand, the complement: MRTFA is on the minus strand). VCF-style: chr22-40418789-C-T. GRCh37 (hg19) VCF-style: chr22-40814793-C-T.
Other names: c.1649G>A, p.Arg550Gln (NM_001282660.2); c.1799G>A, p.Arg600Gln (NM_001282661.3); c.1949G>A, p.Arg650Gln (NM_001282662.3); c.1754G>A, p.Arg585Gln (NM_001318139.2); short protein forms R550Q, R585Q, R600Q, R650Q.
Identifiers: ClinVar variation 1683012 (VCV001683012.10), dbSNP rs377354099, ClinGen allele CA10249489.